The following is an entry in ClinVar:

ClinVar aggregate classification (germline): Uncertain significance (1 of 4 stars; one submission).

Submission:

Ambry Genetics
Classification: Uncertain significance. Last evaluated: 2025-04-03. Review status: criteria provided, single submitter. Criteria: Ambry Variant Classification Scheme 2023. Collection method: clinical testing. Allele origin: germline.
Comment: The p.G76R variant (also known as c.226G>A), located in coding exon 2 of the GEN1 gene, results from a G to A substitution at nucleotide position 226. The glycine at codon 76 is replaced by arginine, an amino acid with dissimilar properties. This amino acid position is conserved. In addition, this alteration is predicted to be deleterious by in silico analysis. Based on the available evidence, the clinical significance of this variant remains unclear.

NM_001130009.3(GEN1):c.226G>A (p.Gly76Arg)

Gene: GEN1 (GEN1 Holliday junction 5' flap endonuclease; plus strand). Cytogenetic location: 2p24.2.
Variant type: single nucleotide variant.
Coding change: c.226G>A on transcript NM_001130009.3 (MANE Select); coding-DNA position 226, G replaced by A.
Protein change: p.Gly76Arg; replaces glycine 76 with arginine.
Molecular consequence: missense variant.
Genome position (GRCh38, 1-based): chr2:17,761,460, G>A. VCF-style: chr2-17761460-G-A. GRCh37 (hg19) VCF-style: chr2-17942727-G-A.
Other names: c.226G>A, p.Gly76Arg (NM_182625.5); short protein forms G76R.
Identifiers: ClinVar variation 4029193 (VCV004029193.1).
Genomic context (GRCh38, chr2:17,761,460, plus strand): 5'-TTATTTTTTCGTATCTCATATTTAACACAAATGGATGTAAAACTGGTATTTGTTATGGAA[G>A]GGGAACCACCAAAGCTGAAAGCTGATGTCATAAGCAAGAGGAATCAGTCTCGGTATGGGT-3'
Protein context (NP_001123481.3, residues 66-86): MDVKLVFVME[Gly76Arg]EPPKLKADVI